The following is an entry in ClinVar:

ClinVar aggregate classification (germline): Benign/Likely benign. Review status: criteria provided, multiple submitters, no conflicts (2 of 4 stars). 3 submissions from 3 submitters: Benign (1); Likely benign (2). Last evaluated 2025-08-01.

Conditions:
Familial adenomatous polyposis 1 (FAP1). Also called: POLYPOSIS, ADENOMATOUS INTESTINAL; FAMILIAL ADENOMATOUS POLYPOSIS 1, ATTENUATED. Identifiers: MedGen C2713442, MONDO:0021056, OMIM 175100. Disease mechanism: loss of function.
Hereditary cancer-predisposing syndrome. Also called: Hereditary neoplastic syndrome; Neoplastic Syndromes, Hereditary; Tumor predisposition; Hereditary Cancer Syndrome. Identifiers: Orphanet 140162, MedGen C0027672, MeSH D009386, MONDO:0015356.

Submissions (3):

CeGaT Center for Human Genetics Tuebingen
Classification: Likely benign. Last evaluated: 2025-08-01. Review status: criteria provided, single submitter. Criteria: CeGaT Center For Human Genetics Tuebingen Variant Classification Criteria Version 2. Collection method: clinical testing. Allele origin: germline. Affected: yes. Observed: 1 variant allele.
Comment: APC: PM2:Supporting, BP4, BP7

Myriad Genetics, Inc.
Classification: Benign for Familial adenomatous polyposis 1. Last evaluated: 2024-04-10. Review status: criteria provided, single submitter. Criteria: Myriad Autosomal Dominant, Autosomal Recessive and X-Linked Classification Criteria (2023). Collection method: clinical testing. Allele origin: unknown.
Comment: This variant is considered benign. This variant is a silent/synonymous amino acid change and it is not expected to impact splicing.

Ambry Genetics
Classification: Likely benign for Hereditary cancer-predisposing syndrome. Last evaluated: 2022-10-22. Review status: criteria provided, single submitter. Criteria: Ambry Variant Classification Scheme 2023. Collection method: clinical testing. Allele origin: germline.

NM_000038.6(APC):c.7662T>C (p.His2554=)

Gene: APC (APC regulator of Wnt signaling pathway; plus strand). Cytogenetic location: 5q22.2.
Variant type: single nucleotide variant.
Coding change: c.7662T>C on transcript NM_000038.6 (MANE Select); coding-DNA position 7662, T replaced by C.
Protein change: p.His2554=; no amino-acid change (histidine 2554 retained).
Molecular consequence: synonymous variant. On other transcripts: non-coding transcript variant (2).
Genome position (GRCh38, 1-based): chr5:112,843,256, T>C. VCF-style: chr5-112843256-T-C. GRCh37 (hg19) VCF-style: chr5-112178953-T-C.
Other names: c.7662T>C, p.His2554= (NM_001127510.3, NM_001354895.2, NM_001407450.1); c.7608T>C, p.His2536= (NM_001127511.3); c.7716T>C, p.His2572= (NM_001354896.2, NM_001407447.1, NM_001407448.1 and 1 more transcripts); c.7692T>C, p.His2564= (NM_001354897.2); c.7587T>C, p.His2529= (NM_001354898.2); c.7578T>C, p.His2526= (NM_001354899.2); c.7539T>C, p.His2513= (NM_001354900.2); c.7485T>C, p.His2495= (NM_001354901.2, NM_001407453.1); and 11 more.
Identifiers: ClinVar variation 1760041 (VCV001760041.11), dbSNP rs1175883969, ClinGen allele CA446211114.
Genomic context (GRCh38, chr5:112,843,256, plus strand): 5'-AAGTCCTTCTAGACTTCCAATCAATAGGTCAGGAACCTGGAAACGTGAGCACAGCAAACA[T>C]TCATCATCCCTTCCTCGAGTAAGCACTTGGAGAAGAACTGGAAGTTCATCTTCAATTCTT-3'
Protein context (NP_000029.2, residues 2544-2564): SGTWKREHSK[His2554=]SSSLPRVSTW